The following is an entry in ClinVar:

NM_007294.4(BRCA1):c.4206_4207del (p.His1402fs)

Gene: BRCA1 (BRCA1 DNA repair associated; minus strand). Cytogenetic location: 17q21.31.
Variant type: Deletion.
Coding change: c.4206_4207del on transcript NM_007294.4 (MANE Select); coding-DNA positions 4206 to 4207, 2 bases deleted (TA; older notation c.4206_4207delTA).
Protein change: p.His1402fs; shifts the reading frame from histidine 1402.
Molecular consequence: frameshift variant. On other transcripts: non-coding transcript variant (1).
Genome position (GRCh38, 1-based): chr17:43,082,554-43,082,555, TA deleted on the plus strand (TA on the coding strand, the reverse complement: BRCA1 is on the minus strand); deleting any 2 consecutive bases within chr17:43,082,554-43,082,556 gives the same sequence; the c. name uses the placement nearest the transcript's 3' end. VCF-style (leftmost placement, unchanged base first): chr17-43082553-TTA-T. GRCh37 (hg19) VCF-style: chr17-41234570-TTA-T.
Other names: 4325delTA; c.773_774delAT, p.His258Glnfs (NM_001408430.1, NM_001408436.1, NM_001408437.1 and 8 more transcripts); c.776_777delAT, p.His259Glnfs (NM_001408431.1, NM_001408421.1, NM_001408424.1); c.770_771delAT, p.His257Glnfs (NM_001408432.1, NM_001408433.1, NM_001408434.1 and 10 more transcripts); c.761_762delAT, p.His254Glnfs (NM_001408451.1); c.755_756delAT, p.His252Glnfs (NM_001408452.1, NM_001408453.1, NM_001408454.1 and 8 more transcripts); c.752_753delAT, p.His251Glnfs (NM_001408462.1, NM_001408463.1, NM_001408464.1 and 5 more transcripts); c.749_750delAT, p.His250Glnfs (NM_001408470.1); and 55 more; short protein forms H1355fs, H1402fs, H299fs.
Identifiers: ClinVar variation 266458 (VCV000266458.6), dbSNP rs886040215, ClinGen allele CA10589680.

ClinVar aggregate classification (germline): Pathogenic. Review status: reviewed by expert panel (3 of 4 stars). 2 submissions from 2 submitters: Pathogenic (1). 1 of the submissions does not count toward it. Last evaluated 2016-10-18.

Conditions:
Breast-ovarian cancer, familial, susceptibility to, 1 (BROVCA1). Also called: BRCA1 Hereditary Breast and Ovarian Cancer; OVARIAN CANCER, SUSCEPTIBILITY TO. Identifiers: Orphanet 145, MedGen C2676676, MONDO:0011450, OMIM 604370. Disease mechanism: loss of function.

Submissions (2):

Evidence-based Network for the Interpretation of Germline Mutant Alleles (ENIGMA)
Classification: Pathogenic for Breast-ovarian cancer, familial, susceptibility to, 1. Last evaluated: 2016-10-18. Review status: reviewed by expert panel. Criteria: ENIGMA BRCA1/2 Classification Criteria (2015). Collection method: curation. Allele origin: germline.
Comment: Variant allele predicted to encode a truncated non-functional protein.

Consortium of Investigators of Modifiers of BRCA1/2 (CIMBA), c/o University of Cambridge
Classification: Pathogenic for Breast-ovarian cancer, familial, susceptibility to, 1. Last evaluated: 2015-10-02. Review status: criteria provided, single submitter. Criteria: CIMBA Mutation Classification guidelines May 2016. Collection method: clinical testing. Allele origin: germline. Not counted in ClinVar's aggregate classification.